The following is an entry in ClinVar:

NM_004281.4(BAG3):c.1108C>G (p.Pro370Ala)

Gene: BAG3 (BAG cochaperone 3; plus strand). Cytogenetic location: 10q26.11.
Variant type: single nucleotide variant.
Coding change: c.1108C>G on transcript NM_004281.4 (MANE Select); coding-DNA position 1108, C replaced by G.
Protein change: p.Pro370Ala; replaces proline 370 with alanine.
Molecular consequence: missense variant.
Genome position (GRCh38, 1-based): chr10:119,676,662, C>G. VCF-style: chr10-119676662-C-G. GRCh37 (hg19) VCF-style: chr10-121436174-C-G.
Other names: short protein forms P370A.
Identifiers: ClinVar variation 2500072 (VCV002500072.4), dbSNP rs1450188487, ClinGen allele CA378296649.

ClinVar aggregate classification (germline): Uncertain significance. Review status: criteria provided, multiple submitters, no conflicts (2 of 4 stars). 2 submissions from 2 submitters: Uncertain significance (2). Last evaluated 2024-10-21.

Conditions:
Dilated cardiomyopathy 1HH (CMD1HH). Identifiers: Orphanet 154, MedGen C3151293, MONDO:0013479, OMIM 613881.
Myofibrillar myopathy 6. Identifiers: Orphanet 199340, MedGen C2751831, MONDO:0013061, OMIM 612954.

Allele frequency attached by ClinVar (database versions not stated): gnomAD exomes below 0.00001.
gnomAD v4.1: 2 of 1,614,184 alleles (0.00012%); highest among the groups gnomAD compares: South Asian, 0.0022%; no homozygotes.

Submissions (2):

Labcorp Genetics (formerly Invitae), Labcorp
Classification: Uncertain significance for Dilated cardiomyopathy 1HH; Myofibrillar myopathy 6. Last evaluated: 2024-10-21. Review status: criteria provided, single submitter. Criteria: Invitae Variant Classification Sherloc (09022015). Collection method: clinical testing. Allele origin: germline.
Comment: This sequence change replaces proline, which is neutral and non-polar, with alanine, which is neutral and non-polar, at codon 370 of the BAG3 protein (p.Pro370Ala). This variant is present in population databases (no rsID available, gnomAD 0.006%). This variant has not been reported in the literature in individuals affected with BAG3-related conditions. ClinVar contains an entry for this variant (Variation ID: 2500072). Invitae Evidence Modeling of protein sequence and biophysical properties (such as structural, functional, and spatial information, amino acid conservation, physicochemical variation, residue mobility, and thermodynamic stability) indicates that this missense variant is not expected to disrupt BAG3 protein function with a negative predictive value of 80%. In summary, the available evidence is currently insufficient to determine the role of this variant in disease. Therefore, it has been classified as a Variant of Uncertain Significance.

Center for Genomics, Ann and Robert H. Lurie Children's Hospital of Chicago
Classification: Uncertain significance for Dilated cardiomyopathy 1HH; Myofibrillar myopathy 6. Review status: criteria provided, single submitter. Criteria: ACMG Guidelines, 2015. Collection method: clinical testing. Allele origin: germline.
Comment: BAG3 NM_004281.3 exon 4 p.Pro370Ala (c.1108C>G): This variant has not been reported in the literature but is present in 0.003% (1/30616) of South Asian alleles in the Genome Aggregation Database. Evolutionary conservation for this variant is unclear; computational predictive tools suggest that this variant may not impact the protein. In summary, data on this variant is insufficient for disease classification. Therefore, the clinical significance of this variant is uncertain.